The following is an entry in ClinVar:

ClinVar aggregate classification (germline): Uncertain significance (1 of 4 stars; one submission).

Conditions:
CHARGE syndrome (CHARGE). Also called: Hittner Hirsch Kreh syndrome; Coloboma, heart anomaly, choanal atresia, retardation, genital and ear anomalies; CHARGE association; Hall-Hittner syndrome; CHARGE ASSOCIATION--COLOBOMA, HEART ANOMALY, CHOANAL ATRESIA, RETARDATION, GENITAL AND EAR ANOMALIES. Identifiers: Orphanet 138, MedGen C0265354, MONDO:0008965.

Submission:

Baylor Genetics
Classification: Uncertain significance for CHD7-related CHARGE syndrome. Last evaluated: 2020-06-02. Review status: criteria provided, single submitter. Criteria: ACMG Guidelines, 2015. Collection method: clinical testing. Allele origin: unknown. Affected: yes.
Comment: This variant was determined to be of uncertain significance according to ACMG Guidelines, 2015 [PMID:25741868].

NM_012431.3(SEMA3E):c.1905G>A (p.Met635Ile)

Gene: SEMA3E (semaphorin 3E; minus strand). Cytogenetic location: 7q21.11.
Variant type: single nucleotide variant.
Coding change: c.1905G>A on transcript NM_012431.3 (MANE Select); coding-DNA position 1905, G replaced by A.
Protein change: p.Met635Ile; replaces methionine 635 with isoleucine.
Molecular consequence: missense variant.
Genome position (GRCh38, 1-based): chr7:83,368,009, C>T on the plus strand (G>A on the coding strand, the complement: SEMA3E is on the minus strand). VCF-style: chr7-83368009-C-T. GRCh37 (hg19) VCF-style: chr7-82997325-C-T.
Other names: c.1725G>A, p.Met575Ile (NM_001178129.2); short protein forms M635I, M575I.
Identifiers: ClinVar variation 1031203 (VCV001031203.1), dbSNP rs1794698535, ClinGen allele CA367914666.